The following is an entry in ClinVar:

ClinVar aggregate classification (germline): Likely pathogenic (1 of 4 stars; one submission).

gnomAD v4.1: 7 of 1,613,940 alleles (0.00043%); highest among the groups gnomAD compares: Non-Finnish European, 0.00059%; no homozygotes.

Submission:

GeneDx
Classification: Likely pathogenic. Last evaluated: 2025-01-27. Review status: criteria provided, single submitter. Criteria: GeneDx Variant Classification Process June 2021. Collection method: clinical testing. Allele origin: germline. Affected: yes.
Comment: Canonical splice site variant predicted to result in a null allele in a gene for which loss-of-function is a known mechanism of disease; Not observed at significant frequency in large population cohorts (gnomAD); Has not been previously published as pathogenic or benign to our knowledge

NM_001383.6(DPH1):c.1007+1G>A

Gene: DPH1 (diphthamide biosynthesis 1; plus strand). Cytogenetic location: 17p13.3.
Variant type: single nucleotide variant.
Coding change: c.1007+1G>A on transcript NM_001383.6 (MANE Select); the canonical splice donor site of the intron after coding-DNA position 1007, G replaced by A.
Molecular consequence: splice donor variant.
Genome position (GRCh38, 1-based): chr17:2,040,606, G>A. VCF-style: chr17-2040606-G-A. GRCh37 (hg19) VCF-style: chr17-1943900-G-A.
Other names: c.959+1G>A (NM_001346574.1); c.926+1G>A (NM_001346575.1); c.602+1G>A (NM_001346576.2).
Identifiers: ClinVar variation 4072476 (VCV004072476.1).